The following is an entry in ClinVar:

ClinVar aggregate classification (germline): Uncertain significance (1 of 4 stars; one submission).

Allele frequency attached by ClinVar (database versions not stated): ExAC 0.00002; gnomAD 0.00002; TOPMed 0.00002; gnomAD exomes 0.00006.

Submission:

Labcorp Genetics (formerly Invitae), Labcorp
Classification: Uncertain significance. Last evaluated: 2022-11-23. Review status: criteria provided, single submitter. Criteria: Invitae Variant Classification Sherloc (09022015). Collection method: clinical testing. Allele origin: germline.
Comment: Algorithms developed to predict the effect of missense changes on protein structure and function are either unavailable or do not agree on the potential impact of this missense change (SIFT: "Deleterious"; PolyPhen-2: "Possibly Damaging"; Align-GVGD: "Class C15"). In summary, the available evidence is currently insufficient to determine the role of this variant in disease. Therefore, it has been classified as a Variant of Uncertain Significance. This variant has not been reported in the literature in individuals affected with MYLIP-related conditions. This variant is present in population databases (rs770371971, gnomAD 0.004%). This sequence change replaces glutamic acid, which is acidic and polar, with lysine, which is basic and polar, at codon 392 of the MYLIP protein (p.Glu392Lys).

NM_013262.4(MYLIP):c.1174G>A (p.Glu392Lys)

Gene: MYLIP (myosin regulatory light chain interacting protein; plus strand). Cytogenetic location: 6p22.3.
Variant type: single nucleotide variant.
Coding change: c.1174G>A on transcript NM_013262.4 (MANE Select); coding-DNA position 1174, G replaced by A.
Protein change: p.Glu392Lys; replaces glutamic acid 392 with lysine.
Molecular consequence: missense variant.
Genome position (GRCh38, 1-based): chr6:16,145,243, G>A. VCF-style: chr6-16145243-G-A. GRCh37 (hg19) VCF-style: chr6-16145474-G-A.
Other names: short protein forms E392K.
Identifiers: ClinVar variation 2962163 (VCV002962163.3), dbSNP rs770371971, ClinGen allele CA3644657.